The following is an entry in ClinVar:

ClinVar aggregate classification (germline): Uncertain significance (1 of 4 stars; one submission).

Conditions:
Nephronophthisis. Also called: Juvenile Nephronophthisis. Identifiers: Orphanet 655, MedGen C0687120, MONDO:0019005, HP:0000090.

Allele frequency attached by ClinVar (database versions not stated): gnomAD 0.00001; gnomAD exomes 0.00002; ExAC 0.00003.
gnomAD v4.1: 37 of 1,610,004 alleles (0.0023%); highest among the groups gnomAD compares: South Asian, 0.0099%; no homozygotes.

Submission:

Labcorp Genetics (formerly Invitae), Labcorp
Classification: Uncertain significance for Nephronophthisis. Last evaluated: 2022-11-01. Review status: criteria provided, single submitter. Criteria: Invitae Variant Classification Sherloc (09022015). Collection method: clinical testing. Allele origin: germline.
Comment: In summary, the available evidence is currently insufficient to determine the role of this variant in disease. Therefore, it has been classified as a Variant of Uncertain Significance. Algorithms developed to predict the effect of sequence changes on RNA splicing suggest that this variant may disrupt the consensus splice site. Advanced modeling of protein sequence and biophysical properties (such as structural, functional, and spatial information, amino acid conservation, physicochemical variation, residue mobility, and thermodynamic stability) performed at Invitae indicates that this missense variant is not expected to disrupt NPHP3 protein function. This variant has not been reported in the literature in individuals affected with NPHP3-related conditions. This variant is present in population databases (rs368518275, gnomAD 0.02%). This sequence change replaces arginine, which is basic and polar, with cysteine, which is neutral and slightly polar, at codon 512 of the NPHP3 protein (p.Arg512Cys).

NM_153240.5(NPHP3):c.1534C>T (p.Arg512Cys)

Genes: NPHP3 (nephrocystin 3; minus strand), NPHP3-ACAD11 (NPHP3-ACAD11 readthrough (NMD candidate); minus strand). Cytogenetic location: 3q22.1.
Variant type: single nucleotide variant.
Coding change: c.1534C>T on transcript NM_153240.5 (MANE Select); coding-DNA position 1534, C replaced by T.
Protein change: p.Arg512Cys; replaces arginine 512 with cysteine.
Molecular consequence: missense variant. On other transcripts: non-coding transcript variant (1).
Genome position (GRCh38, 1-based): chr3:132,701,524, G>A on the plus strand (C>T on the coding strand, the complement: NPHP3 is on the minus strand). VCF-style: chr3-132701524-G-A. GRCh37 (hg19) VCF-style: chr3-132420368-G-A.
Other names: short protein forms R512C.
Identifiers: ClinVar variation 2074171 (VCV002074171.3), dbSNP rs368518275, ClinGen allele CA2622265.